The following is an entry in ClinVar:

NM_000228.3(LAMB3):c.1454C>T (p.Pro485Leu)

Gene: LAMB3 (laminin subunit beta 3; minus strand). Cytogenetic location: 1q32.2.
Variant type: single nucleotide variant.
Coding change: c.1454C>T on transcript NM_000228.3 (MANE Select); coding-DNA position 1454, C replaced by T.
Protein change: p.Pro485Leu; replaces proline 485 with leucine.
Molecular consequence: missense variant.
Genome position (GRCh38, 1-based): chr1:209,627,414, G>A on the plus strand (C>T on the coding strand, the complement: LAMB3 is on the minus strand). VCF-style: chr1-209627414-G-A. GRCh37 (hg19) VCF-style: chr1-209800759-G-A.
Other names: c.1454C>T, p.Pro485Leu (NM_001017402.2, NM_001127641.1); short protein forms P485L.
Identifiers: ClinVar variation 4096373 (VCV004096373.2).

ClinVar aggregate classification (germline): Uncertain significance. Review status: criteria provided, multiple submitters, no conflicts (2 of 4 stars). 2 submissions from 2 submitters: Uncertain significance (2). Last evaluated 2025-12-10.

Conditions:
Inborn genetic diseases. Identifiers: MedGen C0950123, MeSH D030342.

gnomAD v4.1: 53 of 1,613,618 alleles (0.0033%); highest among the groups gnomAD compares: Non-Finnish European, 0.0041%; no homozygotes.

Submissions (2):

Labcorp Genetics (formerly Invitae), Labcorp
Classification: Uncertain significance. Last evaluated: 2025-12-10. Review status: criteria provided, single submitter. Criteria: Invitae Variant Classification Sherloc (09022015). Collection method: clinical testing. Allele origin: germline.
Comment: This sequence change replaces proline, which is neutral and non-polar, with leucine, which is neutral and non-polar, at codon 485 of the LAMB3 protein (p.Pro485Leu). This variant is present in population databases (rs751474007, gnomAD 0.01%). This variant has not been reported in the literature in individuals affected with LAMB3-related conditions. ClinVar contains an entry for this variant (Variation ID: 4096373). Invitae Evidence Modeling of protein sequence and biophysical properties (such as structural, functional, and spatial information, amino acid conservation, physicochemical variation, residue mobility, and thermodynamic stability) indicates that this missense variant is not expected to disrupt LAMB3 protein function with a negative predictive value of 80%. In summary, the available evidence is currently insufficient to determine the role of this variant in disease. Therefore, it has been classified as a Variant of Uncertain Significance.

Ambry Genetics
Classification: Uncertain significance for Inborn genetic diseases. Last evaluated: 2025-08-31. Review status: criteria provided, single submitter. Criteria: Ambry Variant Classification Scheme 2023. Collection method: clinical testing. Allele origin: germline.